The following is an entry in ClinVar:

NM_000260.4(MYO7A):c.3350A>G (p.Lys1117Arg)

Gene: MYO7A (myosin VIIA; plus strand). Cytogenetic location: 11q13.5.
Variant type: single nucleotide variant.
Coding change: c.3350A>G on transcript NM_000260.4 (MANE Select); coding-DNA position 3350, A replaced by G.
Protein change: p.Lys1117Arg; replaces lysine 1117 with arginine.
Molecular consequence: missense variant.
Genome position (GRCh38, 1-based): chr11:77,183,132, A>G. VCF-style: chr11-77183132-A-G. GRCh37 (hg19) VCF-style: chr11-76894177-A-G.
Other names: c.3350A>G, p.Lys1117Arg (NM_001127180.2); c.3317A>G, p.Lys1106Arg (NM_001369365.1); c.3350A>G (NM_000260.3); short protein forms K1117R, K1106R.
Identifiers: ClinVar variation 3716418 (VCV003716418.2).

ClinVar aggregate classification (germline): Uncertain significance. Review status: criteria provided, multiple submitters, no conflicts (2 of 4 stars). 2 submissions from 2 submitters: Uncertain significance (2). Last evaluated 2024-08-21.

gnomAD v4.1: 7 of 1,552,426 alleles (0.00045%); highest among the groups gnomAD compares: African/African-American, 0.0096%; no homozygotes.

Submissions (2):

GeneDx
Classification: Uncertain significance. Last evaluated: 2024-08-21. Review status: criteria provided, single submitter. Criteria: GeneDx Variant Classification Process June 2021. Collection method: clinical testing. Allele origin: germline. Affected: yes.
Comment: Not observed at significant frequency in large population cohorts (gnomAD); In silico analysis indicates that this missense variant does not alter protein structure/function; Has not been previously published as pathogenic or benign to our knowledge

Labcorp Genetics (formerly Invitae), Labcorp
Classification: Uncertain significance. Last evaluated: 2024-05-02. Review status: criteria provided, single submitter. Criteria: Invitae Variant Classification Sherloc (09022015). Collection method: clinical testing. Allele origin: germline.
Comment: This sequence change replaces lysine, which is basic and polar, with arginine, which is basic and polar, at codon 1117 of the MYO7A protein (p.Lys1117Arg). This variant is present in population databases (rs546933063, gnomAD 0.01%). This variant has not been reported in the literature in individuals affected with MYO7A-related conditions. Advanced modeling of protein sequence and biophysical properties (such as structural, functional, and spatial information, amino acid conservation, physicochemical variation, residue mobility, and thermodynamic stability) performed at Invitae indicates that this missense variant is not expected to disrupt MYO7A protein function with a negative predictive value of 95%. In summary, the available evidence is currently insufficient to determine the role of this variant in disease. Therefore, it has been classified as a Variant of Uncertain Significance.